The following is an entry in ClinVar:

ClinVar aggregate classification (germline): Pathogenic (1 of 4 stars; one submission).

Conditions:
Microcephaly, normal intelligence and immunodeficiency (NBS). Also called: IMMUNODEFICIENCY, MICROCEPHALY, AND CHROMOSOMAL INSTABILITY; SEEMANOVA SYNDROME II; Nijmegen breakage syndrome; Microcephaly with normal intelligence immunodeficiency and lymphoreticular malignancies; Nonsyndromal microcephaly autosomal recessive with normal intelligence; Seemanova syndrome 2. Identifiers: Orphanet 647, MedGen C0398791, MONDO:0009623, OMIM 251260.

Submission:

Myriad Genetics, Inc.
Classification: Pathogenic for Microcephaly, normal intelligence and immunodeficiency. Last evaluated: 2024-05-04. Review status: criteria provided, single submitter. Criteria: Myriad Autosomal Dominant, Autosomal Recessive and X-Linked Classification Criteria (2023). Collection method: clinical testing. Allele origin: unknown.
Comment: NM_002485.4(NBN):c.83_86delGGAA(R28Kfs*6) is expected to be pathogenic in the context of Nijmegen breakage syndrome. This variant is predicted to lead to an abnormal or absent protein product due to the creation of a premature termination codon in NBN, a gene where loss-of-function variants are known to be pathogenic. Please note: this variant was assessed in the context of healthy population screening.

NM_002485.5(NBN):c.83_86del (p.Arg28fs)

Gene: NBN (nibrin; minus strand). Cytogenetic location: 8q21.3.
Variant type: Microsatellite.
Coding change: c.83_86del on transcript NM_002485.5 (MANE Select); coding-DNA positions 83 to 86, 4 bases deleted (GGAA; older notation c.83_86delGGAA).
Protein change: p.Arg28fs; shifts the reading frame from arginine 28.
Molecular consequence: frameshift variant. On other transcripts: 5 prime UTR variant (3).
Genome position (GRCh38, 1-based): chr8:89,982,807-89,982,810, TTCC deleted on the plus strand (GGAA on the coding strand, the reverse complement: NBN is on the minus strand); deleting any 4 consecutive bases within chr8:89,982,807-89,982,814 gives the same sequence; the c. name uses the placement nearest the transcript's 3' end. VCF-style (leftmost placement, unchanged base first): chr8-89982806-TTTCC-T. GRCh37 (hg19) VCF-style: chr8-90995034-TTTCC-T.
Other names: c.-218GGAA[1] (NM_001024688.3, NM_001440380.1); c.-168GGAA[1] (NM_001440379.1); short protein forms R28fs.
Identifiers: ClinVar variation 5013008 (VCV005013008.1).